The following is an entry in ClinVar:

NM_002541.4(OGDH):c.1552G>A (p.Glu518Lys)

Gene: OGDH (oxoglutarate dehydrogenase; plus strand). Cytogenetic location: 7p13.
Variant type: single nucleotide variant.
Coding change: c.1552G>A on transcript NM_002541.4 (MANE Select); coding-DNA position 1552, G replaced by A.
Protein change: p.Glu518Lys; replaces glutamic acid 518 with lysine.
Molecular consequence: missense variant.
Genome position (GRCh38, 1-based): chr7:44,694,460, G>A. VCF-style: chr7-44694460-G-A. GRCh37 (hg19) VCF-style: chr7-44734059-G-A.
Other names: c.1540G>A, p.Glu514Lys (NM_001165036.2, NM_001439009.1); c.1585G>A, p.Glu529Lys (NM_001363523.2); c.1597G>A, p.Glu533Lys (NM_001439007.1); c.1552G>A, p.Glu518Lys (NM_001439008.1); short protein forms E518K, E514K, E529K, E533K.
Identifiers: ClinVar variation 4991104 (VCV004991104.1).

ClinVar aggregate classification (germline): Uncertain significance (1 of 4 stars; one submission).

Conditions:
OGDH-related disorder. Also called: OGDH-related condition.

Submission:

PreventionGenetics, part of Exact Sciences
Classification: Uncertain significance for OGDH-related condition. Last evaluated: 2025-12-11. Review status: criteria provided, single submitter. Criteria: ACMG Guidelines, 2015. Collection method: clinical testing. Allele origin: germline.
Comment: The OGDH c.1585G>A variant is predicted to result in the amino acid substitution p.Glu529Lys. To our knowledge, this variant has not been reported in the literature or in a large population database (gnomAD), indicating this variant is rare. At this time, the clinical significance of this variant is uncertain due to the absence of conclusive functional and genetic evidence.